The following is an entry in ClinVar:

ClinVar aggregate classification (germline): Uncertain significance (1 of 4 stars; one submission).

Conditions:
Peroxisome biogenesis disorder 2B (PBD2B). Identifiers: Orphanet 44, MedGen C3550234, MONDO:0008736, OMIM 202370.

Allele frequency attached by ClinVar (database versions not stated): 1000 Genomes Project 30x 0.00031.
gnomAD v4.1: 4 of 1,614,036 alleles (0.00025%); highest among the groups gnomAD compares: East Asian, 0.0089%; no homozygotes.

Submissions (2):

Labcorp Genetics (formerly Invitae), Labcorp
Classification: Uncertain significance for Peroxisome biogenesis disorder 2B. Last evaluated: 2023-12-14. Review status: criteria provided, single submitter. Criteria: Invitae Variant Classification Sherloc (09022015). Collection method: clinical testing. Allele origin: germline.
Comment: This sequence change replaces phenylalanine, which is neutral and non-polar, with leucine, which is neutral and non-polar, at codon 218 of the PEX5 protein (p.Phe218Leu). This variant is present in population databases (rs752935710, gnomAD 0.02%). This variant has not been reported in the literature in individuals affected with PEX5-related conditions. Advanced modeling of protein sequence and biophysical properties (such as structural, functional, and spatial information, amino acid conservation, physicochemical variation, residue mobility, and thermodynamic stability) performed at Invitae indicates that this missense variant is not expected to disrupt PEX5 protein function with a negative predictive value of 80%. This variant disrupts the p.Phe218 amino acid residue in PEX5. Other variant(s) that disrupt this residue have been determined to be pathogenic (PMID: 33389129). This suggests that this residue is clinically significant, and that variants that disrupt this residue are likely to be disease-causing. In summary, the available evidence is currently insufficient to determine the role of this variant in disease. Therefore, it has been classified as a Variant of Uncertain Significance.

Dr. Peter K. Rogan Lab, Western University
No classification provided (evidence only). Condition: Malignant tumor of esophagus. Review status: no classification provided. Collection method: in vitro. Allele origin: not applicable. Functional consequence: skipped exon, retained intron. Not counted in ClinVar's aggregate classification.

Literature cited by the submitters: PubMed 33389129 (cited by Labcorp Genetics (formerly Invitae), Labcorp).

NM_001351132.2(PEX5):c.654C>G (p.Phe218Leu)

Gene: PEX5 (peroxisomal biogenesis factor 5; plus strand). Cytogenetic location: 12p13.31.
Variant type: single nucleotide variant.
Coding change: c.654C>G on transcript NM_001351132.2 (MANE Select); coding-DNA position 654, C replaced by G.
Protein change: p.Phe218Leu; replaces phenylalanine 218 with leucine.
Molecular consequence: missense variant. On other transcripts: intron variant (15).
Genome position (GRCh38, 1-based): chr12:7,202,252, C>G. VCF-style: chr12-7202252-C-G. GRCh37 (hg19) VCF-style: chr12-7354848-C-G.
Other names: c.654C>G, p.Phe218Leu (NM_000319.5, NM_001131025.2, NM_001131026.2 and 6 more transcripts); c.699C>G, p.Phe233Leu (NM_001131023.2); c.643-360C>G (NM_001351124.3, NM_001351126.2, NM_001374646.1 and 10 more transcripts); c.688-360C>G (NM_001351135.3, NM_001351138.2); short protein forms F233L, F218L.
Identifiers: ClinVar variation 2890620 (VCV002890620.4), dbSNP rs752935710, ClinGen allele CA6426225.